The following is an entry in ClinVar:

NM_001127198.5(TMC6):c.180A>C (p.Thr60=)

Gene: TMC6 (transmembrane channel like 6; minus strand). Cytogenetic location: 17q25.3.
Variant type: single nucleotide variant.
Coding change: c.180A>C on transcript NM_001127198.5 (MANE Select); coding-DNA position 180, A replaced by C.
Protein change: p.Thr60=; no amino-acid change (threonine 60 retained).
Molecular consequence: synonymous variant. On other transcripts: non-coding transcript variant (4).
Genome position (GRCh38, 1-based): chr17:78,126,525, T>G on the plus strand (A>C on the coding strand, the complement: TMC6 is on the minus strand). VCF-style: chr17-78126525-T-G. GRCh37 (hg19) VCF-style: chr17-76122606-T-G.
Other names: c.180A>C, p.Thr60= (NM_001321185.1, NM_001374593.1, NM_001374594.1 and 4 more transcripts).
Identifiers: ClinVar variation 1481194 (VCV001481194.8), dbSNP rs750150319, ClinGen allele CA8796241.
Genomic context (GRCh38, chr17:78,126,525, plus strand): 5'-GAGGGGCTGGGGCACCCAAGTCTTGGTCCACACCACCCAGCATCCAGGCCTGAGCTCACC[T>G]GTCACCTCCCGCTCTCTCTGCTGCAGCTCCAGCCCCTCCTGGGCCGTGCACTGGCTCTGC-3'
Protein context (NP_001120670.1, residues 50-70): LELQQREREV[Thr60=]GSSQQTLWRP

ClinVar aggregate classification (germline): Uncertain significance (1 of 4 stars; one submission).

Conditions:
Epidermodysplasia verruciformis. Identifiers: Orphanet 302, MedGen C0014522, MONDO:0009176.

Allele frequency attached by ClinVar (database versions not stated): ExAC 0.00001; gnomAD exomes 0.00001; gnomAD 0.00006; TOPMed 0.00006.
gnomAD v4.1: 19 of 1,613,302 alleles (0.0012%); highest among the groups gnomAD compares: African/African-American, 0.023%; no homozygotes.

Submission:

Labcorp Genetics (formerly Invitae), Labcorp
Classification: Uncertain significance for Epidermodysplasia verruciformis. Last evaluated: 2021-03-20. Review status: criteria provided, single submitter. Criteria: Invitae Variant Classification Sherloc (09022015). Collection method: clinical testing. Allele origin: germline.
Comment: In summary, the available evidence is currently insufficient to determine the role of this variant in disease. Therefore, it has been classified as a Variant of Uncertain Significance. Experimental studies and prediction algorithms are not available or were not evaluated, and the effect of this variant on mRNA splicing is currently unknown. This variant has not been reported in the literature in individuals with TMC6-related conditions. This variant is present in population databases (rs750150319, ExAC 0.01%). This sequence change affects codon 60 of the TMC6 mRNA. It is a 'silent' change, meaning that it does not change the encoded amino acid sequence of the TMC6 protein. It affects a nucleotide within the consensus splice site of the intron.